The following is an entry in ClinVar:

ClinVar aggregate classification (germline): Uncertain significance (1 of 4 stars; one submission).

Submission:

Mayo Clinic Laboratories, Mayo Clinic
Classification: Uncertain significance. Last evaluated: 2022-07-11. Review status: criteria provided, single submitter. Criteria: ACMG Guidelines, 2015. Collection method: clinical testing. Allele origin: germline. Observed: 1 variant allele.
Comment: PM2

NM_198576.4(AGRN):c.1220C>T (p.Ser407Phe)

Gene: AGRN (agrin; plus strand). Cytogenetic location: 1p36.33.
Variant type: single nucleotide variant.
Coding change: c.1220C>T on transcript NM_198576.4 (MANE Select); coding-DNA position 1220, C replaced by T.
Protein change: p.Ser407Phe; replaces serine 407 with phenylalanine.
Molecular consequence: missense variant.
Genome position (GRCh38, 1-based): chr1:1,041,998, C>T. VCF-style: chr1-1041998-C-T. GRCh37 (hg19) VCF-style: chr1-977378-C-T.
Other names: p.Ser407Phe; c.1220C>T, p.Ser407Phe (NM_001305275.2); c.905C>T, p.Ser302Phe (NM_001364727.2); short protein forms S302F, S407F.
Identifiers: ClinVar variation 2683686 (VCV002683686.1), dbSNP rs2522671341, ClinGen allele CA337827712.